The following is an entry in ClinVar:

NM_198241.3(EIF4G1):c.4064T>C (p.Met1355Thr)

Gene: EIF4G1 (eukaryotic translation initiation factor 4 gamma 1; plus strand). Cytogenetic location: 3q27.1.
Variant type: single nucleotide variant.
Coding change: c.4064T>C on transcript NM_198241.3 (MANE Select); coding-DNA position 4064, T replaced by C.
Protein change: p.Met1355Thr; replaces methionine 1355 with threonine.
Molecular consequence: missense variant.
Genome position (GRCh38, 1-based): chr3:184,328,741, T>C. VCF-style: chr3-184328741-T-C. GRCh37 (hg19) VCF-style: chr3-184046529-T-C.
Other names: p.Met1355Thr; c.4085T>C, p.Met1362Thr (NM_001194946.2, NM_001194947.2); c.3944T>C, p.Met1315Thr (NM_001291157.2); c.3479T>C, p.Met1160Thr (NM_004953.5); c.4067T>C, p.Met1356Thr (NM_182917.4); c.3572T>C, p.Met1191Thr (NM_198242.3); c.3803T>C, p.Met1268Thr (NM_198244.3); c.4064T>C (NM_198241.2); short protein forms M1160T, M1191T, M1268T, M1315T, M1355T, M1356T, M1362T.
Identifiers: ClinVar variation 2682851 (VCV002682851.2), dbSNP rs144059151, ClinGen allele CA2732995.

ClinVar aggregate classification (germline): Conflicting classifications of pathogenicity. Review status: criteria provided, conflicting classifications (1 of 4 stars). 2 submissions from 2 submitters: Uncertain significance (1); Likely benign (1). Last evaluated 2024-10-09.

Conditions:
EIF4G1-related disorder. Also called: EIF4G1-related condition.

Allele frequency attached by ClinVar (database versions not stated): ExAC 0.00040; gnomAD 0.00047; TOPMed 0.00049; ESP Exome Variant Server 0.00054; gnomAD exomes 0.00069.

Submissions (2):

PreventionGenetics, part of Exact Sciences
Classification: Likely benign for EIF4G1-related condition. Last evaluated: 2024-10-09. Review status: criteria provided, single submitter. Criteria: ACMG Guidelines, 2015. Collection method: clinical testing. Allele origin: germline.
Comment: This variant is classified as likely benign based on ACMG/AMP sequence variant interpretation guidelines (Richards et al. 2015 PMID: 25741868, with internal and published modifications).

Mayo Clinic Laboratories, Mayo Clinic
Classification: Uncertain significance. Last evaluated: 2023-03-07. Review status: criteria provided, single submitter. Criteria: ACMG Guidelines, 2015. Collection method: clinical testing. Allele origin: germline. Observed: 1 variant allele.
Comment: BS2